The following is an entry in ClinVar:

ClinVar aggregate classification (germline): Uncertain significance (1 of 4 stars; one submission).

Conditions:
Short-rib thoracic dysplasia 8 with or without polydactyly (SRTD8). Also called: SHORT-RIB THORACIC DYSPLASIA 8 WITH POLYDACTYLY. Identifiers: Orphanet 93271, MedGen C3809691, MONDO:0014214, OMIM 615503.

Allele frequency attached by ClinVar (database versions not stated): gnomAD exomes below 0.00001; ExAC 0.00001.
gnomAD v4.1: 4 of 1,613,488 alleles (0.00025%); highest among the groups gnomAD compares: Admixed American, 0.0017%; no homozygotes.

Submission:

Labcorp Genetics (formerly Invitae), Labcorp
Classification: Uncertain significance for Short-rib thoracic dysplasia 8 with or without polydactyly. Last evaluated: 2022-07-18. Review status: criteria provided, single submitter. Criteria: Invitae Variant Classification Sherloc (09022015). Collection method: clinical testing. Allele origin: germline.
Comment: In summary, the available evidence is currently insufficient to determine the role of this variant in disease. Therefore, it has been classified as a Variant of Uncertain Significance. Algorithms developed to predict the effect of missense changes on protein structure and function are either unavailable or do not agree on the potential impact of this missense change (SIFT: "Tolerated"; PolyPhen-2: "Possibly Damaging"; Align-GVGD: "Class C0"). ClinVar contains an entry for this variant (Variation ID: 1680728). This variant has not been reported in the literature in individuals affected with WDR60-related conditions. This variant is present in population databases (rs774062652, gnomAD 0.0009%). This sequence change replaces tryptophan, which is neutral and slightly polar, with leucine, which is neutral and non-polar, at codon 962 of the WDR60 protein (p.Trp962Leu).

NM_018051.5(DYNC2I1):c.2885G>T (p.Trp962Leu)

Gene: DYNC2I1 (dynein 2 intermediate chain 1; plus strand). Cytogenetic location: 7q36.3.
Variant type: single nucleotide variant.
Coding change: c.2885G>T on transcript NM_018051.5 (MANE Select); coding-DNA position 2885, G replaced by T.
Protein change: p.Trp962Leu; replaces tryptophan 962 with leucine.
Molecular consequence: missense variant.
Genome position (GRCh38, 1-based): chr7:158,942,031, G>T. VCF-style: chr7-158942031-G-T. GRCh37 (hg19) VCF-style: chr7-158734722-G-T.
Other names: c.2747G>T, p.Trp916Leu (NM_001350914.2); c.2312G>T, p.Trp771Leu (NM_001350915.2); c.1424G>T, p.Trp475Leu (NM_001350916.2); c.1637G>T, p.Trp546Leu (NM_001350917.2, NM_001350918.2); short protein forms W475L, W546L, W771L, W916L, W962L.
Identifiers: ClinVar variation 1680728 (VCV001680728.6), dbSNP rs774062652, ClinGen allele CA4595130.